The following is an entry in ClinVar:

NM_032043.3(BRIP1):c.2329del (p.Arg777fs)

Gene: BRIP1 (BRCA1 interacting DNA helicase 1; minus strand). Cytogenetic location: 17q23.2.
Variant type: Deletion.
Coding change: c.2329del on transcript NM_032043.3 (MANE Select); coding-DNA position 2329, one base deleted (C; older notation c.2329delC).
Protein change: p.Arg777fs; shifts the reading frame from arginine 777.
Molecular consequence: frameshift variant.
Genome position (GRCh38, 1-based): chr17:61,743,063, G deleted on the plus strand (C on the coding strand, the reverse complement: BRIP1 is on the minus strand); the first of 3 consecutive G bases (chr17:61,743,063-61,743,065); deleting any one gives the same sequence. VCF-style (leftmost placement, unchanged base first): chr17-61743062-CG-C. GRCh37 (hg19) VCF-style: chr17-59820423-CG-C.
Other names: short protein forms R777fs.
Identifiers: ClinVar variation 1691983 (VCV001691983.1), dbSNP rs2144677021, ClinGen allele CA2573154294.

ClinVar aggregate classification (germline): Likely pathogenic (1 of 4 stars; one submission).

Conditions:
Hereditary cancer-predisposing syndrome. Also called: Hereditary Cancer Syndrome; Hereditary neoplastic syndrome; Neoplastic Syndromes, Hereditary; Tumor predisposition. Identifiers: Orphanet 140162, MedGen C0027672, MeSH D009386, MONDO:0015356.

Submission:

Sema4
Classification: Likely pathogenic for Hereditary cancer-predisposing syndrome. Last evaluated: 2021-11-19. Review status: criteria provided, single submitter. Criteria: Sema4 Curation Guidelines. Collection method: curation. Allele origin: germline.
Comment: The BRIP1 c.2329delC (p.R777VfsX4) variant has not been reported in the literature to our knowledge. This variant causes a frameshift at amino acid 777 that results in premature termination 4 amino acids downstream. At this location, this is predicted to cause nonsense-mediated decay and result in an absent protein (loss of function). This variant is not reported in the Genome Aggregation Database (PMID: 32461654). This variant has not been reported in ClinVar. Based on the current evidence available, this variant is interpreted as likely pathogenic.